The following is an entry in ClinVar:

ClinVar aggregate classification (germline): Uncertain significance (1 of 4 stars; one submission).

Conditions:
Charcot-Marie-Tooth disease axonal type 2Z. Also called: CHARCOT-MARIE-TOOTH DISEASE, AXONAL, AUTOSOMAL DOMINANT, TYPE 2Z; CHARCOT-MARIE-TOOTH NEUROPATHY, TYPE 2Z. Identifiers: Orphanet 466768, MedGen C5569025, MONDO:0014736, OMIM 616688.

Allele frequency attached by ClinVar (database versions not stated): TOPMed 0.00001; gnomAD exomes below 0.00001; ExAC 0.00002.
gnomAD v4.1: 5 of 1,614,050 alleles (0.00031%); highest among the groups gnomAD compares: Admixed American, 0.005%; no homozygotes.

Submission:

Labcorp Genetics (formerly Invitae), Labcorp
Classification: Uncertain significance for Charcot-Marie-Tooth disease axonal type 2Z. Last evaluated: 2023-01-20. Review status: criteria provided, single submitter. Criteria: Invitae Variant Classification Sherloc (09022015). Collection method: clinical testing. Allele origin: germline.
Comment: In summary, the available evidence is currently insufficient to determine the role of this variant in disease. Therefore, it has been classified as a Variant of Uncertain Significance. Algorithms developed to predict the effect of missense changes on protein structure and function output the following: SIFT: "Not Available"; PolyPhen-2: "Benign"; Align-GVGD: "Not Available". The threonine amino acid residue is found in multiple mammalian species, which suggests that this missense change does not adversely affect protein function. This variant has not been reported in the literature in individuals affected with MORC2-related conditions. This variant is present in population databases (rs770714218, gnomAD 0.009%). This sequence change replaces alanine, which is neutral and non-polar, with threonine, which is neutral and polar, at codon 662 of the MORC2 protein (p.Ala662Thr).

NM_001303256.3(MORC2):c.1984G>A (p.Ala662Thr)

Gene: MORC2 (MORC family CW-type zinc finger 2; minus strand). Cytogenetic location: 22q12.2.
Variant type: single nucleotide variant.
Coding change: c.1984G>A on transcript NM_001303256.3 (MANE Select); coding-DNA position 1984, G replaced by A.
Protein change: p.Ala662Thr; replaces alanine 662 with threonine.
Molecular consequence: missense variant.
Genome position (GRCh38, 1-based): chr22:30,934,990, C>T on the plus strand (G>A on the coding strand, the complement: MORC2 is on the minus strand). VCF-style: chr22-30934990-C-T. GRCh37 (hg19) VCF-style: chr22-31330977-C-T.
Other names: c.1984G>A, p.Ala662Thr (NM_001303257.2); c.1798G>A, p.Ala600Thr (NM_014941.3); short protein forms A600T, A662T.
Identifiers: ClinVar variation 2051070 (VCV002051070.4), dbSNP rs770714218, ClinGen allele CA10186790.